The following is an entry in ClinVar:

ClinVar aggregate classification (germline): Likely pathogenic (1 of 4 stars; one submission).

Submission:

GeneDx
Classification: Likely pathogenic. Last evaluated: 2016-07-13. Review status: criteria provided, single submitter. Criteria: GeneDx Variant Classification (06012015). Collection method: clinical testing. Allele origin: germline. Affected: yes.
Comment: The c.664-2 A>C splice site variant in the PHEX gene destroys the canonical splice acceptor site in intron 5. It is predicted to cause abnormal gene splicing, either leading to an abnormal message that is subject to nonsense-mediated mRNA decay, or to an abnormal protein product if the message is used for protein translation. The c.664-2 A>C variant was not observed in approximately 6,500 individuals of European and African American ancestry in the NHLBI Exome Sequencing Project, indicating it is not a common benign variant in these populations. Therefore, this variant is likely pathogenic

NM_000444.6(PHEX):c.664-2A>C

Gene: PHEX (phosphate regulating endopeptidase X-linked; plus strand). Cytogenetic location: Xp22.11.
Variant type: single nucleotide variant.
Coding change: c.664-2A>C on transcript NM_000444.6 (MANE Select); the canonical splice acceptor site of the intron before coding-DNA position 664, A replaced by C.
Molecular consequence: splice acceptor variant.
Genome position (GRCh38, 1-based): chrX:22,090,427, A>C. VCF-style: chrX-22090427-A-C. GRCh37 (hg19) VCF-style: chrX-22108545-A-C.
Other names: c.664-2A>C (NM_001282754.2).
Identifiers: ClinVar variation 430563 (VCV000430563.2), dbSNP rs1131692026, ClinGen allele CA412571986.